The following is an entry in ClinVar:

ClinVar aggregate classification (germline): Likely benign (1 of 4 stars; one submission).

gnomAD v4.1: 12 of 1,613,882 alleles (0.00074%); highest among the groups gnomAD compares: South Asian, 0.013%; no homozygotes.

Submission:

CeGaT Center for Human Genetics Tuebingen
Classification: Likely benign. Last evaluated: 2026-03-01. Review status: criteria provided, single submitter. Criteria: CeGaT Center For Human Genetics Tuebingen Variant Classification Criteria Version 2. Collection method: clinical testing. Allele origin: germline. Affected: yes. Observed: 1 variant allele.
Comment: RFX3: BP4

NM_001282116.2(RFX3):c.276T>C (p.Asn92=)

Gene: RFX3 (regulatory factor X3; minus strand). Cytogenetic location: 9p24.2.
Variant type: single nucleotide variant.
Coding change: c.276T>C on transcript NM_001282116.2 (MANE Select); coding-DNA position 276, T replaced by C.
Protein change: p.Asn92=; no amino-acid change (asparagine 92 retained).
Molecular consequence: synonymous variant.
Genome position (GRCh38, 1-based): chr9:3,330,457, A>G on the plus strand (T>C on the coding strand, the complement: RFX3 is on the minus strand). VCF-style: chr9-3330457-A-G. GRCh37 (hg19) VCF-style: chr9-3330457-A-G.
Other names: c.276T>C, p.Asn92= (NM_001282117.2, NM_001377999.1, NM_002919.4 and 1 more transcripts).
Identifiers: ClinVar variation 4822728 (VCV004822728.4).